The following is an entry in ClinVar:

ClinVar aggregate classification (germline): Uncertain significance. Review status: criteria provided, multiple submitters, no conflicts (2 of 4 stars). 2 submissions from 2 submitters: Uncertain significance (2). Last evaluated 2024-09-19.

Conditions:
Hereditary cancer-predisposing syndrome. Also called: Neoplastic Syndromes, Hereditary; Tumor predisposition; Hereditary Cancer Syndrome; Hereditary neoplastic syndrome. Identifiers: Orphanet 140162, MedGen C0027672, MeSH D009386, MONDO:0015356.
Ataxia-pancytopenia syndrome (ATXPC). Also called: SAMD9L Ataxia-Pancytopenia Syndrome; SAMD9L-Related Syndrome. Identifiers: Orphanet 2585, MedGen C1327919, MONDO:0008038, OMIM 159550.

Submissions (2):

Victorian Clinical Genetics Services, Murdoch Childrens Research Institute
Classification: Uncertain significance for Ataxia-pancytopenia syndrome. Last evaluated: 2024-09-19. Review status: criteria provided, single submitter. Criteria: ACMG Guidelines, 2015. Collection method: clinical testing. Allele origin: germline. Inheritance: Autosomal dominant inheritance. Affected: yes.
Comment: Based on the classification scheme VCGS_Germline_v1.3.4, this variant is classified as VUS-3A. Following criteria are met: 0103 - Toxic gain of function is the postulated mechanism for ataxia-pancytopenia syndrome (MIM#159550; PMID: 28570036), while monosomy 7 myelodysplasia and leukaemia syndrome 2 (MIM#619041) is the result of a somatic compensatory mechanism (PMID: 34621053). The mechanism for spinocerebellar ataxia 49 (MIM#619806) is unknown; however, protein reduction in the mitochondrial fraction of fibroblasts from an affected individual was observed (PMID: 35310830). (I) 0107 - This gene is associated with autosomal dominant disease. (I) 0115 - Variants in this gene are known to have variable expressivity. Variable haematologic and neurologic manifestations have been reported (PMID: 28570036). (I) 0200 - Variant is predicted to result in a missense amino acid change from methionine to lysine. (I) 0251 - This variant is heterozygous. (I) 0301 - Variant is absent from gnomAD (both v2 and v3). (SP) 0309 - An alternative amino acid change at the same position has been observed in gnomAD (v2: 1 heterozygote, 0 homozygotes). (I) 0502 - Missense variant with conflicting in silico predictions and uninformative conservation. (I) 0604 - Variant is not located in an established domain, motif, hotspot or informative constraint region. (I) 0705 - No comparable missense variants have previous evidence for pathogenicity. (I) 0802 - This variant has moderate previous evidence of pathogenicity in unrelated individuals. It was identified as a de novo event in an individual with monosomy 7 and pancytopenia (PMID: 29146883). (SP) 1007 - No published functional evidence has been identified for this variant. (I) 1208 - Inheritance information for this variant is not currently available in this individual. (I) Legend: (SP) - Supporting pathogenic, (I) - Information, (SB) - Supporting benign

Molecular Pathology, Peter Maccallum Cancer Centre
Classification: Uncertain significance for Hereditary cancer-predisposing syndrome. Last evaluated: 2024-06-04. Review status: criteria provided, single submitter. Criteria: ACMG Guidelines, 2015. Collection method: clinical testing. Allele origin: germline.

Literature cited by the submitters: PubMed 28570036 (cited by Victorian Clinical Genetics Services, Murdoch Childrens Research Institute); PubMed 29146883 (cited by Victorian Clinical Genetics Services, Murdoch Childrens Research Institute); PubMed 34621053 (cited by Victorian Clinical Genetics Services, Murdoch Childrens Research Institute); PubMed 35310830 (cited by Victorian Clinical Genetics Services, Murdoch Childrens Research Institute).

NM_152703.5(SAMD9L):c.2519T>A (p.Met840Lys)

Gene: SAMD9L (sterile alpha motif domain containing 9 like; minus strand). Cytogenetic location: 7q21.2.
Variant type: single nucleotide variant.
Coding change: c.2519T>A on transcript NM_152703.5 (MANE Select); coding-DNA position 2519, T replaced by A.
Protein change: p.Met840Lys; replaces methionine 840 with lysine.
Molecular consequence: missense variant.
Genome position (GRCh38, 1-based): chr7:93,133,453, A>T on the plus strand (T>A on the coding strand, the complement: SAMD9L is on the minus strand). VCF-style: chr7-93133453-A-T. GRCh37 (hg19) VCF-style: chr7-92762766-A-T.
Other names: c.2519T>A, p.Met840Lys (NM_001303496.3, NM_001303497.3, NM_001303498.3 and 5 more transcripts); c.2519T>A (NM_152703.2); short protein forms M840K.
Identifiers: ClinVar variation 3254575 (VCV003254575.3), dbSNP rs1304874755.